The following is an entry in ClinVar:

ClinVar aggregate classification (germline): Conflicting classifications of pathogenicity. Review status: criteria provided, conflicting classifications (1 of 4 stars). 5 submissions from 5 submitters: Uncertain significance (3); Likely benign (1). 1 of the submissions does not count toward it. Last evaluated 2025-11-18.

Conditions:
Primary ciliary dyskinesia. Also called: Ciliary dyskinesia. Identifiers: Orphanet 244, MedGen C0008780, MONDO:0016575, HP:0012265.

Allele frequency attached by ClinVar (database versions not stated): gnomAD exomes 0.00003 and 0.00004; ExAC 0.00008; gnomAD 0.00012 and 0.00014; TOPMed 0.00019; ESP Exome Variant Server 0.00023.
gnomAD v4.1: 66 of 1,613,646 alleles (0.0041%); highest among the groups gnomAD compares: African/African-American, 0.028%; no homozygotes.

Submissions (5):

Ambry Genetics
Classification: Likely benign for Primary ciliary dyskinesia. Last evaluated: 2025-11-18. Review status: criteria provided, single submitter. Criteria: Ambry Variant Classification Scheme 2023. Collection method: clinical testing. Allele origin: germline.

Labcorp Genetics (formerly Invitae), Labcorp
Classification: Uncertain significance for Primary ciliary dyskinesia. Last evaluated: 2022-08-19. Review status: criteria provided, single submitter. Criteria: Invitae Variant Classification Sherloc (09022015). Collection method: clinical testing. Allele origin: germline.
Comment: This sequence change replaces valine, which is neutral and non-polar, with isoleucine, which is neutral and non-polar, at codon 539 of the DNAI2 protein (p.Val539Ile). This variant is present in population databases (rs199817659, gnomAD 0.03%). This variant has not been reported in the literature in individuals affected with DNAI2-related conditions. ClinVar contains an entry for this variant (Variation ID: 194118). Algorithms developed to predict the effect of missense changes on protein structure and function output the following: SIFT: "Tolerated"; PolyPhen-2: "Benign"; Align-GVGD: "Class C0". The isoleucine amino acid residue is found in multiple mammalian species, which suggests that this missense change does not adversely affect protein function. In summary, the available evidence is currently insufficient to determine the role of this variant in disease. Therefore, it has been classified as a Variant of Uncertain Significance.

Eurofins Ntd Llc (ga)
Classification: Uncertain significance. Last evaluated: 2015-03-05. Review status: criteria provided, single submitter. Criteria: EGL Classification Definitions 2015. Collection method: clinical testing. Allele origin: germline. Observed: 1 variant allele, 1 heterozygote.

Breakthrough Genomics
Classification: Uncertain significance. Review status: criteria provided, single submitter. Criteria: ACMG Guidelines, 2015. Collection method: not provided. Allele origin: germline. Inheritance: Autosomal recessive inheritance. Affected: yes.

Natera, Inc.
Classification: Uncertain significance for Primary ciliary dyskinesia. Last evaluated: 2019-10-28. Review status: no assertion criteria provided. Collection method: clinical testing. Allele origin: germline. Not counted in ClinVar's aggregate classification.

NM_023036.6(DNAI2):c.1615G>A (p.Val539Ile)

Gene: DNAI2 (dynein axonemal intermediate chain 2; plus strand). Cytogenetic location: 17q25.1.
Variant type: single nucleotide variant.
Coding change: c.1615G>A on transcript NM_023036.6 (MANE Select); coding-DNA position 1615, G replaced by A.
Protein change: p.Val539Ile; replaces valine 539 with isoleucine.
Molecular consequence: missense variant.
Genome position (GRCh38, 1-based): chr17:74,312,123, G>A. VCF-style: chr17-74312123-G-A. GRCh37 (hg19) VCF-style: chr17-72308262-G-A.
Other names: c.1579G>A, p.Val527Ile (NM_001172810.3); c.1615G>A, p.Val539Ile (NM_001353167.2); short protein forms V539I, V527I.
Identifiers: ClinVar variation 194118 (VCV000194118.13), dbSNP rs199817659, ClinGen allele CA239939.
Genomic context (GRCh38, chr17:74,312,123, plus strand): 5'-CTGAAGGAGAAGGGTAAGGCGGAGGGCAGGGATGAGGAGCAGACCGATGAGGAGCTGGCC[G>A]TAGACCTGGAGGCGCTGGTCAGCAAGGCCGAGGAGGAGTTCTTCGACATCATCTTCGCAG-3'
Protein context (NP_075462.3, residues 529-549): DEEQTDEELA[Val539Ile]DLEALVSKAE